The following is an entry in ClinVar:

ClinVar aggregate classification (germline): Uncertain significance. Review status: criteria provided, multiple submitters, no conflicts (2 of 4 stars). 7 submissions from 5 submitters: Uncertain significance (7). Last evaluated 2025-08-20.

Conditions:
Inborn genetic diseases. Identifiers: MedGen C0950123, MeSH D030342.
RYR1-related disorder. Also called: RYR1-related condition; RYR1-related disorders. Identifiers: MedGen CN239331.
Congenital multicore myopathy with external ophthalmoplegia (CMYO1B). Also called: MULTICORE MYOPATHY; Minicore myopathy with external ophthalmoplegia; Congenital myopathy 1B, autosomal recessive; Minicore myopathy; MULTIMINICORE DISEASE WITH EXTERNAL OPHTHALMOPLEGIA. Identifiers: Orphanet 598, Orphanet 98905, MedGen C1850674, MONDO:0009712, OMIM 255320, HP:0003789.
Central core myopathy (CMYO1A). Also called: CONGENITAL MYOPATHY 1A, AUTOSOMAL DOMINANT, WITH SUSCEPTIBILITY TO MALIGNANT HYPERTHERMIA; Central core disease; Myopathy, central fibrillar. Identifiers: Orphanet 597, MedGen C5830701, MONDO:0007294, OMIM 117000.
Malignant hyperthermia, susceptibility to, 1 (MHS1). Also called: Anesthesia related hyperthermia; Malignant hyperpyrexia; Fulminating hyperpyrexia; Pharmacogenic myopathy; RYR1-Related Malignant Hyperthermia Susceptibility; Malignant hyperthermia suceptibility 1. Identifiers: Orphanet 423, MedGen C2930980, MONDO:0007783, OMIM 145600.

Allele frequency attached by ClinVar (database versions not stated): gnomAD exomes 0.00001; TOPMed 0.00002; gnomAD 0.00003 and 0.00004.
gnomAD v4.1: 39 of 1,559,948 alleles (0.0025%); highest among the groups gnomAD compares: Non-Finnish European, 0.0031%; no homozygotes.

Submissions (7):

Labcorp Genetics (formerly Invitae), Labcorp
Classification: Uncertain significance for RYR1-related disorder. Last evaluated: 2025-08-20. Review status: criteria provided, single submitter. Criteria: Invitae Variant Classification Sherloc (09022015). Collection method: clinical testing. Allele origin: germline.
Comment: This sequence change replaces alanine, which is neutral and non-polar, with threonine, which is neutral and polar, at codon 1587 of the RYR1 protein (p.Ala1587Thr). This variant is present in population databases (no rsID available, gnomAD 0.003%). This variant has not been reported in the literature in individuals affected with RYR1-related conditions. ClinVar contains an entry for this variant (Variation ID: 891298). Invitae Evidence Modeling of protein sequence and biophysical properties (such as structural, functional, and spatial information, amino acid conservation, physicochemical variation, residue mobility, and thermodynamic stability) indicates that this missense variant is not expected to disrupt RYR1 protein function with a negative predictive value of 80%. In summary, the available evidence is currently insufficient to determine the role of this variant in disease. Therefore, it has been classified as a Variant of Uncertain Significance.

Ambry Genetics
Classification: Uncertain significance for Inborn genetic diseases. Last evaluated: 2025-04-21. Review status: criteria provided, single submitter. Criteria: Ambry Variant Classification Scheme 2023. Collection method: clinical testing. Allele origin: germline.

Color Diagnostics, LLC DBA Color Health
Classification: Uncertain significance for Malignant hyperthermia, susceptibility to, 1. Last evaluated: 2024-03-06. Review status: criteria provided, single submitter. Criteria: ACMG Guidelines, 2015. Collection method: clinical testing. Allele origin: germline.
Comment: This missense variant replaces alanine with threonine at codon 1587 of the RYR1 protein. Computational prediction suggests that this variant may not impact protein structure and function. To our knowledge, functional studies have not been reported for this variant. This variant has not been reported in individuals affected with RYR1-related disorders in the literature. This variant has been identified in 2/197668 chromosomes in the general population by the Genome Aggregation Database (gnomAD). The available evidence is insufficient to determine the role of this variant in disease conclusively. Therefore, this variant is classified as a Variant of Uncertain Significance.

Revvity Omics, Revvity
Classification: Uncertain significance. Last evaluated: 2022-05-26. Review status: criteria provided, single submitter. Criteria: ACMG Guidelines, 2015. Collection method: clinical testing. Allele origin: germline.

Illumina Laboratory Services, Illumina
Classification: Uncertain significance for Central core myopathy. Last evaluated: 2018-01-13. Review status: criteria provided, single submitter. Criteria: ICSL Variant Classification Criteria 13 December 2019. Collection method: clinical testing. Allele origin: germline.

Illumina Laboratory Services, Illumina
Classification: Uncertain significance for Malignant hyperthermia, susceptibility to, 1. Last evaluated: 2018-01-13. Review status: criteria provided, single submitter. Criteria: ICSL Variant Classification Criteria 13 December 2019. Collection method: clinical testing. Allele origin: germline.

Illumina Laboratory Services, Illumina
Classification: Uncertain significance for Congenital multicore myopathy with external ophthalmoplegia. Last evaluated: 2018-01-13. Review status: criteria provided, single submitter. Criteria: ICSL Variant Classification Criteria 13 December 2019. Collection method: clinical testing. Allele origin: germline.

NM_000540.3(RYR1):c.4759G>A (p.Ala1587Thr)

Gene: RYR1 (ryanodine receptor 1; plus strand). Cytogenetic location: 19q13.2.
Variant type: single nucleotide variant.
Coding change: c.4759G>A on transcript NM_000540.3 (MANE Select); coding-DNA position 4759, G replaced by A.
Protein change: p.Ala1587Thr; replaces alanine 1587 with threonine.
Molecular consequence: missense variant.
Genome position (GRCh38, 1-based): chr19:38,483,341, G>A. VCF-style: chr19-38483341-G-A. GRCh37 (hg19) VCF-style: chr19-38973981-G-A.
Other names: c.4759G>A, p.Ala1587Thr (NM_001042723.2); short protein forms A1587T.
Identifiers: ClinVar variation 891298 (VCV000891298.9), dbSNP rs1030955858, ClinGen allele CA308090518.
Genomic context (GRCh38, chr19:38,483,341, plus strand): 5'-TGCCCTCAGAACATCATGCCGTTGTCAGCCGCCATGTTCCAAAGCGAGCGCAAGAACCCG[G>A]CCCCGCAGTGCCCACCGCGGCTGGAGATGCAGATGCTGATGCCAGTGTCCTGGAGCCGCA-3'
Protein context (NP_000531.2, residues 1577-1597): AMFQSERKNP[Ala1587Thr]PQCPPRLEMQ